The following is an entry in ClinVar:

ClinVar aggregate classification (germline): Uncertain significance (1 of 4 stars; one submission).

Allele frequency attached by ClinVar (database versions not stated): TOPMed below 0.00001.
gnomAD v4.1: 3 of 1,613,862 alleles (0.00019%); highest among the groups gnomAD compares: African/African-American, 0.0013%; no homozygotes.

Submission:

Labcorp Genetics (formerly Invitae), Labcorp
Classification: Uncertain significance. Last evaluated: 2023-09-04. Review status: criteria provided, single submitter. Criteria: Invitae Variant Classification Sherloc (09022015). Collection method: clinical testing. Allele origin: germline.
Comment: In summary, the available evidence is currently insufficient to determine the role of this variant in disease. Therefore, it has been classified as a Variant of Uncertain Significance. Experimental studies and prediction algorithms are not available or were not evaluated, and the functional significance of this variant is currently unknown. This variant has not been reported in the literature in individuals affected with CYFIP2-related conditions. This variant is present in population databases (no rsID available, gnomAD 0.007%). This sequence change replaces arginine, which is basic and polar, with serine, which is neutral and polar, at codon 765 of the CYFIP2 protein (p.Arg765Ser).

NM_001037333.3(CYFIP2):c.2295A>T (p.Arg765Ser)

Gene: CYFIP2 (cytoplasmic FMR1 interacting protein 2; plus strand). Cytogenetic location: 5q33.3.
Variant type: single nucleotide variant.
Coding change: c.2295A>T on transcript NM_001037333.3 (MANE Select); coding-DNA position 2295, A replaced by T.
Protein change: p.Arg765Ser; replaces arginine 765 with serine.
Molecular consequence: missense variant.
Genome position (GRCh38, 1-based): chr5:157,333,356, A>T. VCF-style: chr5-157333356-A-T. GRCh37 (hg19) VCF-style: chr5-156760364-A-T.
Other names: c.2217A>T, p.Arg739Ser (NM_001291721.2); c.2370A>T, p.Arg790Ser (NM_001291722.2); c.2295A>T, p.Arg765Ser (NM_014376.4); short protein forms R765S, R739S, R790S.
Identifiers: ClinVar variation 2903549 (VCV002903549.3), dbSNP rs896876354, ClinGen allele CA130181495.